The following is an entry in ClinVar:

ClinVar aggregate classification (germline): Benign. Review status: criteria provided, multiple submitters, no conflicts (2 of 4 stars). 5 submissions from 5 submitters: Benign (5). Last evaluated 2023-11-29.

Conditions:
Alpha-methylacyl-CoA racemase deficiency (AMACRD). Also called: AMACR deficiency. Identifiers: Orphanet 79095, MedGen C3280428, MONDO:0013681, OMIM 614307. Disease mechanism: loss of function.

Allele frequency attached by ClinVar (database versions not stated): gnomAD exomes 0.00062 and 0.00138; ExAC 0.00285; ESP Exome Variant Server 0.00625; gnomAD 0.00659 and 0.00704; TOPMed 0.00713; 1000 Genomes Project 30x 0.00828; 1000 Genomes Project 0.00899.

Submissions (5):

ARUP Laboratories, Molecular Genetics and Genomics, ARUP Laboratories
Classification: Benign. Last evaluated: 2023-11-29. Review status: criteria provided, single submitter. Criteria: ARUP Molecular Germline Variant Investigation Process 2024. Collection method: clinical testing. Allele origin: germline.

Illumina Laboratory Services, Illumina
Classification: Benign for Alpha-methylacyl-CoA racemase deficiency. Last evaluated: 2018-01-12. Review status: criteria provided, single submitter. Criteria: ICSL Variant Classification Criteria 13 December 2019. Collection method: clinical testing. Allele origin: germline.
Comment: This variant was observed in the ICSL laboratory as part of a predisposition screen in an ostensibly healthy population. It had not been previously curated by ICSL or reported in the Human Gene Mutation Database (HGMD: prior to June 1st, 2018), and was therefore a candidate for classification through an automated scoring system. Utilizing variant allele frequency, disease prevalence and penetrance estimates, and inheritance mode, an automated score was calculated to assess if this variant is too frequent to cause the disease. Based on the score and internal cut-off values, a variant classified as benign is not then subjected to further curation. The score for this variant resulted in a classification of benign for this disease.

GeneDx
Classification: Benign. Last evaluated: 2017-10-12. Review status: criteria provided, single submitter. Criteria: GeneDx Variant Classification Process June 2021. Collection method: clinical testing. Allele origin: germline. Affected: yes.

Center for Pediatric Genomic Medicine, Children's Mercy Hospital and Clinics
Classification: Benign. Last evaluated: 2016-09-01. Review status: criteria provided, single submitter. Criteria: ACMG Guidelines, 2015. Collection method: clinical testing. Allele origin: germline.

Breakthrough Genomics
Classification: Benign. Review status: criteria provided, single submitter. Criteria: ACMG Guidelines, 2015. Collection method: not provided. Allele origin: germline. Inheritance: Autosomal recessive inheritance. Affected: yes.

NM_014324.6(AMACR):c.*753T>G

Genes: C1QTNF3-AMACR (C1QTNF3-AMACR readthrough (NMD candidate); minus strand), AMACR (alpha-methylacyl-CoA racemase; minus strand). Cytogenetic location: 5p13.2.
Variant type: single nucleotide variant.
Coding change: c.*753T>G on transcript NM_014324.6 (MANE Select); 753 bases downstream of the stop codon, T replaced by G.
Molecular consequence: 3 prime UTR variant. On other transcripts: non-coding transcript variant (1), missense variant (1).
Genome position (GRCh38, 1-based): chr5:33,988,340, A>C on the plus strand (T>G on the coding strand, the complement: AMACR is on the minus strand). VCF-style: chr5-33988340-A-C. GRCh37 (hg19) VCF-style: chr5-33988445-A-C.
Other names: c.1153T>G, p.Leu385Val (NM_001167595.2); c.*1144T>G (NM_203382.3); short protein forms L385V.
Identifiers: ClinVar variation 353242 (VCV000353242.10), dbSNP rs140021599, ClinGen allele CA3225922.